The following is an entry in ClinVar:

NM_001101362.3(KBTBD13):c.1200T>C (p.Gly400=)

Gene: KBTBD13 (kelch repeat and BTB domain containing 13; plus strand). Cytogenetic location: 15q22.31.
Variant type: single nucleotide variant.
Coding change: c.1200T>C on transcript NM_001101362.3 (MANE Select); coding-DNA position 1200, T replaced by C.
Protein change: p.Gly400=; no amino-acid change (glycine 400 retained).
Molecular consequence: synonymous variant.
Genome position (GRCh38, 1-based): chr15:65,078,015, T>C. VCF-style: chr15-65078015-T-C. GRCh37 (hg19) VCF-style: chr15-65370353-T-C.
Other names: p.Gly400=.
Identifiers: ClinVar variation 129307 (VCV000129307.27), dbSNP rs2919360, ClinGen allele CA153237.

ClinVar aggregate classification (germline): Benign. Review status: criteria provided, multiple submitters, no conflicts (2 of 4 stars). 10 submissions from 10 submitters: Benign (8). 2 of the submissions do not count toward it. Last evaluated 2026-02-04.

Conditions:
Nemaline myopathy 6 (NEM6). Also called: Nemaline myopathy 6, autosomal dominant. Identifiers: Orphanet 171439, MedGen C1836472, MONDO:0012237, OMIM 609273.

Allele frequency attached by ClinVar (database versions not stated): TOPMed 0.98855; 1000 Genomes Project 30x 0.98938; 1000 Genomes Project 0.98942; ESP Exome Variant Server 0.98964; gnomAD 0.99001 and 0.99059; gnomAD exomes 0.99590; ExAC 0.99609.

Submissions (10):

Labcorp Genetics (formerly Invitae), Labcorp
Classification: Benign for Nemaline myopathy 6. Last evaluated: 2026-02-04. Review status: criteria provided, single submitter. Criteria: Invitae Variant Classification Sherloc (09022015). Collection method: clinical testing. Allele origin: germline.

Genome-Nilou Lab
Classification: Benign for Nemaline myopathy 6. Last evaluated: 2021-08-19. Review status: criteria provided, single submitter. Criteria: ACMG Guidelines, 2015. Collection method: clinical testing. Allele origin: germline. Affected: no.

Illumina Laboratory Services, Illumina
Classification: Benign for Nemaline myopathy 6. Last evaluated: 2018-01-12. Review status: criteria provided, single submitter. Criteria: ICSL Variant Classification Criteria 13 December 2019. Collection method: clinical testing. Allele origin: germline.
Comment: This variant was observed in the ICSL laboratory as part of a predisposition screen in an ostensibly healthy population. It had not been previously curated by ICSL or reported in the Human Gene Mutation Database (HGMD: prior to June 1st, 2018), and was therefore a candidate for classification through an automated scoring system. Utilizing variant allele frequency, disease prevalence and penetrance estimates, and inheritance mode, an automated score was calculated to assess if this variant is too frequent to cause the disease. Based on the score and internal cut-off values, a variant classified as benign is not then subjected to further curation. The score for this variant resulted in a classification of benign for this disease.

Mayo Clinic Laboratories, Mayo Clinic
Classification: Benign. Last evaluated: 2017-07-19. Review status: criteria provided, single submitter. Criteria: ACMG Guidelines, 2015. Collection method: clinical testing. Allele origin: germline. Observed: 466 variant alleles.

GeneDx
Classification: Benign. Last evaluated: 2016-01-22. Review status: criteria provided, single submitter. Criteria: GeneDx Variant Classification (06012015). Collection method: clinical testing. Allele origin: germline. Affected: yes.
Comment: This variant is considered likely benign or benign based on one or more of the following criteria: it is a conservative change, it occurs at a poorly conserved position in the protein, it is predicted to be benign by multiple in silico algorithms, and/or has population frequency not consistent with disease.

Genetic Services Laboratory, University of Chicago
Classification: Benign for AllHighlyPenetrant. Last evaluated: 2013-08-15. Review status: criteria provided, single submitter. Criteria: ACMG Guidelines, 2007. Collection method: clinical testing. Allele origin: germline. Inheritance: Autosomal dominant inheritance.

Breakthrough Genomics
Classification: Benign. Review status: criteria provided, single submitter. Criteria: ACMG Guidelines, 2015. Collection method: not provided. Allele origin: germline. Inheritance: Autosomal dominant inheritance. Affected: yes.

PreventionGenetics, part of Exact Sciences
Classification: Benign. Review status: criteria provided, single submitter. Criteria: ACMG Guidelines, 2015. Collection method: clinical testing. Allele origin: germline.

Diagnostic Laboratory, Department of Genetics, University Medical Center Groningen
Classification: Benign. Review status: no assertion criteria provided. Collection method: clinical testing. Allele origin: germline. Affected: yes. Study: VKGL Data-share Consensus. Not counted in ClinVar's aggregate classification.

Joint Genome Diagnostic Labs from Nijmegen and Maastricht, Radboudumc and MUMC+
Classification: Benign. Review status: no assertion criteria provided. Collection method: clinical testing. Allele origin: germline. Affected: yes. Study: VKGL Data-share Consensus. Not counted in ClinVar's aggregate classification.